The following is an entry in ClinVar:

NM_013339.4(ALG6):c.443dup (p.Leu148fs)

Gene: ALG6 (ALG6 alpha-1,3-glucosyltransferase; plus strand). Cytogenetic location: 1p31.3.
Variant type: Duplication.
Coding change: c.443dup on transcript NM_013339.4 (MANE Select); coding-DNA position 443, one base duplicated (T; older notation c.443dupT).
Protein change: p.Leu148fs; shifts the reading frame from leucine 148.
Molecular consequence: frameshift variant.
Genome position (GRCh38, 1-based): chr1:63,407,075, T duplicated; the last of 2 consecutive T bases (chr1:63,407,074-63,407,075); duplicating either gives the same sequence. VCF-style (leftmost placement, unchanged base first): chr1-63407073-A-AT. GRCh37 (hg19) VCF-style: chr1-63872744-A-AT.
Other names: short protein forms L148fs.
Identifiers: ClinVar variation 2959032 (VCV002959032.3), dbSNP rs2523737446, ClinGen allele CA2586966727.

ClinVar aggregate classification (germline): Pathogenic (1 of 4 stars; one submission).

Conditions:
ALG6-congenital disorder of glycosylation 1C (CDG1C). Also called: CDG Ic; Congenital disorder of glycosylation, type Ic; CARBOHYDRATE-DEFICIENT GLYCOPROTEIN SYNDROME, TYPE I, WITH DEFICIENT GLYCOSYLATION OF DOLICHOL-LINKED OLIGOSACCHARIDE; CARBOHYDRATE-DEFICIENT GLYCOPROTEIN SYNDROME, TYPE V; Congenital disorder of glycosylation type 1C. Identifiers: Orphanet 79320, MedGen C2930997, MONDO:0011291, OMIM 603147.

Submission:

Labcorp Genetics (formerly Invitae), Labcorp
Classification: Pathogenic for ALG6-congenital disorder of glycosylation 1C. Last evaluated: 2023-04-16. Review status: criteria provided, single submitter. Criteria: Invitae Variant Classification Sherloc (09022015). Collection method: clinical testing. Allele origin: germline.
Comment: For these reasons, this variant has been classified as Pathogenic. This variant has not been reported in the literature in individuals affected with ALG6-related conditions. This variant is not present in population databases (gnomAD no frequency). This sequence change creates a premature translational stop signal (p.Leu148Phefs*20) in the ALG6 gene. It is expected to result in an absent or disrupted protein product. Loss-of-function variants in ALG6 are known to be pathogenic (PMID: 19862844).

Literature cited by the submitters: PubMed 19862844.